The following is an entry in ClinVar:

ClinVar aggregate classification (germline): Likely benign. Review status: criteria provided, multiple submitters, no conflicts (2 of 4 stars). 3 submissions from 3 submitters: Likely benign (3). Last evaluated 2024-08-10.

Conditions:
Multiple endocrine neoplasia, type 2 (MEN2). Identifiers: Orphanet 653, MedGen C4048306, MONDO:0019003. Disease mechanism: gain of function.
Hereditary cancer-predisposing syndrome. Also called: Neoplastic Syndromes, Hereditary; Tumor predisposition; Hereditary neoplastic syndrome; Hereditary Cancer Syndrome. Identifiers: Orphanet 140162, MedGen C0027672, MeSH D009386, MONDO:0015356.

Submissions (3):

Ambry Genetics
Classification: Likely benign for Hereditary cancer-predisposing syndrome. Last evaluated: 2024-08-10. Review status: criteria provided, single submitter. Criteria: Ambry Variant Classification Scheme 2023. Collection method: clinical testing. Allele origin: germline.

Labcorp Genetics (formerly Invitae), Labcorp
Classification: Likely benign for Multiple endocrine neoplasia, type 2. Last evaluated: 2024-04-25. Review status: criteria provided, single submitter. Criteria: Invitae Variant Classification Sherloc (09022015). Collection method: clinical testing. Allele origin: germline.

All of Us Research Program, National Institutes of Health
Classification: Likely benign for Multiple endocrine neoplasia, type 2. Last evaluated: 2024-02-05. Review status: criteria provided, single submitter. Criteria: ACMG Guidelines, 2015. Collection method: clinical testing. Allele origin: germline. Inheritance: Autosomal dominant inheritance. Observed: 1 variant allele, 1 heterozygote.
Comment: This study involves interpretation of variants in research participants for the purpose of population health screening. Participant phenotype was not available at the time of variant classification. Additional details can be found in publication PMID: 35346344, PMCID: PMC8962531

NM_020975.6(RET):c.279C>T (p.Gly93=)

Gene: RET (ret proto-oncogene; plus strand). Cytogenetic location: 10q11.21.
Variant type: single nucleotide variant.
Coding change: c.279C>T on transcript NM_020975.6 (MANE Select); coding-DNA position 279, C replaced by T.
Protein change: p.Gly93=; no amino-acid change (glycine 93 retained).
Molecular consequence: synonymous variant. On other transcripts: intron variant (4).
Genome position (GRCh38, 1-based): chr10:43,100,664, C>T. VCF-style: chr10-43100664-C-T. GRCh37 (hg19) VCF-style: chr10-43596112-C-T.
Other names: c.279C>T, p.Gly93= (NM_000323.2, NM_001406743.1, NM_001406744.1 and 34 more transcripts); c.74-8367C>T (NM_001406784.1); c.74-11435C>T (NM_001406794.1, NM_001406792.1, NM_001406793.1).
Identifiers: ClinVar variation 2145433 (VCV002145433.6), dbSNP rs1168926729, ClinGen allele CA469490775.